The following is an entry in ClinVar:

ClinVar aggregate classification (germline): Uncertain significance (1 of 4 stars; one submission).

Conditions:
Spastic paraplegia. Identifiers: MedGen C0037772, HP:0001258.

Submission:

Labcorp Genetics (formerly Invitae), Labcorp
Classification: Uncertain significance for Spastic paraplegia. Last evaluated: 2019-10-17. Review status: criteria provided, single submitter. Criteria: Invitae Variant Classification Sherloc (09022015). Collection method: clinical testing. Allele origin: germline.
Comment: In summary, the available evidence is currently insufficient to determine the role of this variant in disease. Therefore, it has been classified as a Variant of Uncertain Significance. Nucleotide substitutions within the consensus splice site are a relatively common cause of aberrant splicing (PMID: 17576681, 9536098). Algorithms developed to predict the effect of sequence changes on RNA splicing suggest that this variant is not likely to affect RNA splicing, but this prediction has not been confirmed by published transcriptional studies. This variant has not been reported in the literature in individuals with KIF5A-related conditions. This variant is not present in population databases (ExAC no frequency). This sequence change falls in intron 8 of the KIF5A gene. It does not directly change the encoded amino acid sequence of the KIF5A protein, but it affects a nucleotide within the consensus splice site of the intron.

Literature cited by the submitters: PubMed 17576681; PubMed 9536098.

NM_004984.4(KIF5A):c.714+6G>C

Gene: KIF5A (kinesin family member 5A; plus strand). Cytogenetic location: 12q13.3.
Variant type: single nucleotide variant.
Coding change: c.714+6G>C on transcript NM_004984.4 (MANE Select); 6 bases into the intron after coding-DNA position 714, G replaced by C.
Molecular consequence: intron variant.
Genome position (GRCh38, 1-based): chr12:57,567,624, G>C. VCF-style: chr12-57567624-G-C. GRCh37 (hg19) VCF-style: chr12-57961407-G-C.
Other names: c.447+6G>C (NM_001354705.2).
Identifiers: ClinVar variation 959691 (VCV000959691.9), dbSNP rs1882106517, ClinGen allele CA1139662757.
Genomic context (GRCh38, chr12:57,567,624, plus strand): 5'-GGAGCAGAAGCTCAGTGGGAAGCTGTATCTGGTGGACCTGGCAGGGAGTGAGAAGGTAGG[G>C]GGTCCTGTGGATATGGGGTGGGTGGAAGCCTTGGCTCTTTTTTTTTTTTTTTTTGAGACA-3'